The following is an entry in ClinVar:

ClinVar aggregate classification (germline): Conflicting classifications of pathogenicity. Review status: criteria provided, conflicting classifications (1 of 4 stars). 2 submissions from 2 submitters: Uncertain significance (1); Likely benign (1). Last evaluated 2025-06-01.

Conditions:
Inborn genetic diseases. Identifiers: MedGen C0950123, MeSH D030342.

Allele frequency attached by ClinVar (database versions not stated): ExAC 0.00004; TOPMed 0.00006; gnomAD 0.00008; gnomAD exomes 0.00014; ESP Exome Variant Server 0.00015.
gnomAD v4.1: 219 of 1,613,758 alleles (0.014%); highest among the groups gnomAD compares: Non-Finnish European, 0.017%; 1 homozygote.

Submissions (2):

CeGaT Center for Human Genetics Tuebingen
Classification: Likely benign. Last evaluated: 2025-06-01. Review status: criteria provided, single submitter. Criteria: CeGaT Center For Human Genetics Tuebingen Variant Classification Criteria Version 2. Collection method: clinical testing. Allele origin: germline. Affected: yes. Observed: 1 variant allele.
Comment: CHD5: BS2

Ambry Genetics
Classification: Uncertain significance for Inborn genetic diseases. Last evaluated: 2025-03-21. Review status: criteria provided, single submitter. Criteria: Ambry Variant Classification Scheme 2023. Collection method: clinical testing. Allele origin: germline.

NM_015557.3(CHD5):c.589G>A (p.Ala197Thr)

Gene: CHD5 (chromodomain helicase DNA binding protein 5; minus strand). Cytogenetic location: 1p36.31.
Variant type: single nucleotide variant.
Coding change: c.589G>A on transcript NM_015557.3 (MANE Select); coding-DNA position 589, G replaced by A.
Protein change: p.Ala197Thr; replaces alanine 197 with threonine.
Molecular consequence: missense variant.
Genome position (GRCh38, 1-based): chr1:6,154,816, C>T on the plus strand (G>A on the coding strand, the complement: CHD5 is on the minus strand). VCF-style: chr1-6154816-C-T. GRCh37 (hg19) VCF-style: chr1-6214876-C-T.
Other names: short protein forms A197T.
Identifiers: ClinVar variation 2459723 (VCV002459723.11), dbSNP rs146062488, ClinGen allele CA557321.